The following is an entry in ClinVar:

NM_000136.3(FANCC):c.1393C>G (p.Gln465Glu)

Genes: FANCC (FA complementation group C; minus strand), AOPEP (aminopeptidase O (putative); plus strand). Cytogenetic location: 9q22.32.
Variant type: single nucleotide variant.
Coding change: c.1393C>G on transcript NM_000136.3 (MANE Select); coding-DNA position 1393, C replaced by G.
Protein change: p.Gln465Glu; replaces glutamine 465 with glutamic acid.
Molecular consequence: missense variant.
Genome position (GRCh38, 1-based): chr9:95,107,206, G>C on the plus strand (C>G on the coding strand, the complement: FANCC is on the minus strand). VCF-style: chr9-95107206-G-C. GRCh37 (hg19) VCF-style: chr9-97869488-G-C.
Other names: c.1393C>G, p.Gln465Glu (NM_001243743.2); short protein forms Q465E.
Identifiers: ClinVar variation 2450932 (VCV002450932.2), dbSNP rs1035139114, ClinGen allele CA374106143.

ClinVar aggregate classification (germline): Uncertain significance (1 of 4 stars; one submission).

Conditions:
Hereditary cancer-predisposing syndrome. Also called: Neoplastic Syndromes, Hereditary; Tumor predisposition; Hereditary neoplastic syndrome; Hereditary Cancer Syndrome. Identifiers: Orphanet 140162, MedGen C0027672, MeSH D009386, MONDO:0015356.

Allele frequency attached by ClinVar (database versions not stated): gnomAD exomes below 0.00001.
gnomAD v4.1: 1 of 1,614,182 alleles (0.000062%); highest among the groups gnomAD compares: Non-Finnish European, 0.000085%; no homozygotes.

Submission:

Ambry Genetics
Classification: Uncertain significance for Hereditary cancer-predisposing syndrome. Last evaluated: 2023-01-05. Review status: criteria provided, single submitter. Criteria: Ambry Variant Classification Scheme 2023. Collection method: clinical testing. Allele origin: germline.
Comment: The p.Q465E variant (also known as c.1393C>G), located in coding exon 13 of the FANCC gene, results from a C to G substitution at nucleotide position 1393. The glutamine at codon 465 is replaced by glutamic acid, an amino acid with highly similar properties. This amino acid position is conserved. In addition, this alteration is predicted to be tolerated by in silico analysis. Since supporting evidence is limited at this time, the clinical significance of this alteration remains unclear.